The following is an entry in ClinVar:

NM_000038.6(APC):c.3412G>C (p.Asp1138His)

Gene: APC (APC regulator of Wnt signaling pathway; plus strand). Cytogenetic location: 5q22.2.
Variant type: single nucleotide variant.
Coding change: c.3412G>C on transcript NM_000038.6 (MANE Select); coding-DNA position 3412, G replaced by C.
Protein change: p.Asp1138His; replaces aspartic acid 1138 with histidine.
Molecular consequence: missense variant.
Genome position (GRCh38, 1-based): chr5:112,839,006, G>C. VCF-style: chr5-112839006-G-C. GRCh37 (hg19) VCF-style: chr5-112174703-G-C.
Other names: c.3412G>C, p.Asp1138His (NM_001354895.2, NM_001127510.3); c.3466G>C, p.Asp1156His (NM_001354896.2); c.3442G>C, p.Asp1148His (NM_001354897.2); c.3337G>C, p.Asp1113His (NM_001354898.2); c.3328G>C, p.Asp1110His (NM_001354899.2); c.3289G>C, p.Asp1097His (NM_001354900.2); c.3235G>C, p.Asp1079His (NM_001354901.2); c.3139G>C, p.Asp1047His (NM_001354902.2); and 5 more; short protein forms D1120H, D1138H, D1110H, D855H, D1012H, D1079H, D1097H, D1148H.
Identifiers: ClinVar variation 141041 (VCV000141041.16), dbSNP rs587781452, ClinGen allele CA008365.

ClinVar aggregate classification (germline): Uncertain significance. Review status: criteria provided, multiple submitters, no conflicts (2 of 4 stars). 6 submissions from 6 submitters: Uncertain significance (6). Last evaluated 2025-08-28.

Conditions:
Classic or attenuated familial adenomatous polyposis. Identifiers: MedGen CN372698, MONDO:0021057.
Hereditary cancer-predisposing syndrome. Also called: Neoplastic Syndromes, Hereditary; Tumor predisposition; Hereditary Cancer Syndrome; Hereditary neoplastic syndrome. Identifiers: Orphanet 140162, MedGen C0027672, MeSH D009386, MONDO:0015356.
Familial adenomatous polyposis 1 (FAP1). Also called: FAMILIAL ADENOMATOUS POLYPOSIS 1, ATTENUATED; POLYPOSIS, ADENOMATOUS INTESTINAL. Identifiers: MedGen C2713442, MONDO:0021056, OMIM 175100. Disease mechanism: loss of function.

Allele frequency attached by ClinVar (database versions not stated): gnomAD exomes below 0.00001; ExAC 0.00001; TOPMed 0.00001; gnomAD 0.00002.
gnomAD v4.1: 3 of 1,613,878 alleles (0.00019%); highest among the groups gnomAD compares: African/African-American, 0.004%; no homozygotes.

Submissions (6):

Labcorp Genetics (formerly Invitae), Labcorp
Classification: Uncertain significance for Familial adenomatous polyposis 1. Last evaluated: 2025-08-28. Review status: criteria provided, single submitter. Criteria: Invitae Variant Classification Sherloc (09022015). Collection method: clinical testing. Allele origin: germline.
Comment: This sequence change replaces aspartic acid, which is acidic and polar, with histidine, which is basic and polar, at codon 1138 of the APC protein (p.Asp1138His). This variant is present in population databases (rs587781452, gnomAD 0.008%). This variant has not been reported in the literature in individuals affected with APC-related conditions. ClinVar contains an entry for this variant (Variation ID: 141041). Invitae Evidence Modeling of protein sequence and biophysical properties (such as structural, functional, and spatial information, amino acid conservation, physicochemical variation, residue mobility, and thermodynamic stability) indicates that this missense variant is not expected to disrupt APC protein function with a negative predictive value of 95%. In summary, the available evidence is currently insufficient to determine the role of this variant in disease. Therefore, it has been classified as a Variant of Uncertain Significance.

Ambry Genetics
Classification: Uncertain significance for Hereditary cancer-predisposing syndrome. Last evaluated: 2025-05-04. Review status: criteria provided, single submitter. Criteria: Ambry Variant Classification Scheme 2023. Collection method: clinical testing. Allele origin: germline.
Comment: The p.D1138H variant (also known as c.3412G>C), located in coding exon 15 of the APC gene, results from a G to C substitution at nucleotide position 3412. The aspartic acid at codon 1138 is replaced by histidine, an amino acid with similar properties. This amino acid position is highly conserved in available vertebrate species. In addition, in silico predictors for this gene do not accurately predict pathogenicity. Since supporting evidence is limited at this time, the clinical significance of this alteration remains unclear.

Quest Diagnostics Nichols Institute San Juan Capistrano
Classification: Uncertain significance. Last evaluated: 2024-10-24. Review status: criteria provided, single submitter. Criteria: Quest Diagnostics criteria. Collection method: clinical testing. Allele origin: unknown.
Comment: The APC c.3412G>C (p.Asp1138His) variant has not been reported in individuals with APC-related conditions in the published literature. The frequency of this variant in the general population, 0.0000071 (2/282288 chromosomes (Genome Aggregation Database)), is uninformative in the assessment of its pathogenicity. Analysis of this variant using bioinformatics tools for the prediction of the effect of amino acid changes on protein structure and function yielded predictions that this variant is damaging. Based on the available information, we are unable to determine the clinical significance of this variant

Color Diagnostics, LLC DBA Color Health
Classification: Uncertain significance for Hereditary cancer-predisposing syndrome. Last evaluated: 2024-03-06. Review status: criteria provided, single submitter. Criteria: ACMG Guidelines, 2015. Collection method: clinical testing. Allele origin: germline.
Comment: This missense variant replaces aspartic acid with histidine at codon 1138 of the APC protein. Computational prediction suggests that this variant may have deleterious impact on protein structure and function. To our knowledge, functional studies have not been reported for this variant. This variant has not been reported in individuals affected with APC-related disorders in the literature. This variant has been identified in 2/282288 chromosomes in the general population by the Genome Aggregation Database (gnomAD). The available evidence is insufficient to determine the role of this variant in disease conclusively. Therefore, this variant is classified as a Variant of Uncertain Significance.

All of Us Research Program, National Institutes of Health
Classification: Uncertain significance for Classic or attenuated familial adenomatous polyposis. Last evaluated: 2023-11-02. Review status: criteria provided, single submitter. Criteria: ACMG Guidelines, 2015. Collection method: clinical testing. Allele origin: germline. Inheritance: Autosomal dominant inheritance. Observed: 1 variant allele, 1 heterozygote.
Comment: This missense variant replaces aspartic acid with histidine at codon 1138 of the APC protein. Computational prediction suggests that this variant may have deleterious impact on protein structure and function (internally defined REVEL score threshold >= 0.7, PMID: 27666373). To our knowledge, functional studies have not been reported for this variant. This variant has not been reported in individuals affected with APC-related disorders in the literature. This variant has been identified in 2/282288 chromosomes in the general population by the Genome Aggregation Database (gnomAD). The available evidence is insufficient to determine the role of this variant in disease conclusively. Therefore, this variant is classified as a Variant of Uncertain Significance.

This study involves interpretation of variants in research participants for the purpose of population health screening. Participant phenotype was not available at the time of variant classification. Additional details can be found in publication PMID: 35346344, PMCID: PMC8962531

GeneDx
Classification: Uncertain significance. Last evaluated: 2021-03-03. Review status: criteria provided, single submitter. Criteria: GeneDx Variant Classification Process June 2021. Collection method: clinical testing. Allele origin: germline. Affected: yes.
Comment: Not observed at a significant frequency in large population cohorts (Lek 2016); In silico analysis supports that this missense variant does not alter protein structure/function; Has not been previously published as pathogenic or benign to our knowledge